The following is an entry in ClinVar:

NM_001170700.3(DTHD1):c.1625C>T (p.Thr542Ile)

Gene: DTHD1 (death domain containing 1; plus strand). Cytogenetic location: 4p14.
Variant type: single nucleotide variant.
Coding change: c.1625C>T on transcript NM_001170700.3 (MANE Select); coding-DNA position 1625, C replaced by T.
Protein change: p.Thr542Ile; replaces threonine 542 with isoleucine.
Molecular consequence: missense variant. On other transcripts: non-coding transcript variant (2).
Genome position (GRCh38, 1-based): chr4:36,295,021, C>T. VCF-style: chr4-36295021-C-T. GRCh37 (hg19) VCF-style: chr4-36296643-C-T.
Other names: c.755C>T, p.Thr252Ile (NM_001136536.5); c.692C>T, p.Thr231Ile (NM_001378435.1); short protein forms T231I, T252I, T542I.
Identifiers: ClinVar variation 1358001 (VCV001358001.8), dbSNP rs758507951, ClinGen allele CA2885655.
Genomic context (GRCh38, chr4:36,295,021, plus strand): 5'-ACAACCTTGGTTCTGAGATAGATCATAAAAGAAGAGCAAGTGCCACAATAAATAGGATTA[C>T]ACCTTCGTATTTCAACCGGTGAGTAAGTTTCTAATATTGTAAACTGGCTTAATGTCAAAC-3'
Protein context (NP_001164171.2, residues 532-552): RRASATINRI[Thr542Ile]PSYFNRTKIA

ClinVar aggregate classification (germline): Uncertain significance (1 of 4 stars; one submission).

Allele frequency attached by ClinVar (database versions not stated): gnomAD exomes 0.00004; ExAC 0.00005.
gnomAD v4.1: 11 of 1,542,610 alleles (0.00071%); highest among the groups gnomAD compares: South Asian, 0.013%; 1 homozygote.

Submission:

Labcorp Genetics (formerly Invitae), Labcorp
Classification: Uncertain significance. Last evaluated: 2023-07-07. Review status: criteria provided, single submitter. Criteria: Invitae Variant Classification Sherloc (09022015). Collection method: clinical testing. Allele origin: germline.
Comment: In summary, the available evidence is currently insufficient to determine the role of this variant in disease. Therefore, it has been classified as a Variant of Uncertain Significance. Algorithms developed to predict the effect of missense changes on protein structure and function output the following: SIFT: "Not Available"; PolyPhen-2: "Benign"; Align-GVGD: "Not Available". The isoleucine amino acid residue is found in multiple mammalian species, which suggests that this missense change does not adversely affect protein function. ClinVar contains an entry for this variant (Variation ID: 1358001). This variant has not been reported in the literature in individuals affected with DTHD1-related conditions. This variant is present in population databases (rs758507951, gnomAD 0.03%). This sequence change replaces threonine, which is neutral and polar, with isoleucine, which is neutral and non-polar, at codon 252 of the DTHD1 protein (p.Thr252Ile).